The following is an entry in ClinVar:

NC_000002.12:g.121530981C>T

Genes: CLASP1 (cytoplasmic linker associated protein 1; minus strand), CLASP1-AS1 (CLASP1 antisense RNA 1; plus strand), RNU4ATAC (RNA, U4atac small nuclear; plus strand). Cytogenetic location: 2q14.2.
Variant type: single nucleotide variant.
Molecular consequence: intron variant (on NM_001395891.1).
Genome position: GRCh38 VCF-style: chr2-121530981-C-T. GRCh37 (hg19) VCF-style: chr2-122288557-C-T.
Other names: c.196-656G>A (NM_001142274.2, NM_015282.3, NM_001378003.1 and 5 more transcripts).
Identifiers: ClinVar variation 1502412 (VCV001502412.5), dbSNP rs148828161, ClinGen allele CA54810991.

ClinVar aggregate classification (germline): Uncertain significance (1 of 4 stars; one submission).

Allele frequency attached by ClinVar (database versions not stated): 1000 Genomes Project 0.00040; 1000 Genomes Project 30x 0.00047.
gnomAD v4.1: 96 of 700,310 alleles (0.014%); highest among the groups gnomAD compares: East Asian, 0.038%; no homozygotes.

Submission:

Labcorp Genetics (formerly Invitae), Labcorp
Classification: Uncertain significance. Last evaluated: 2026-01-23. Review status: criteria provided, single submitter. Criteria: Invitae Variant Classification Sherloc (09022015). Collection method: clinical testing. Allele origin: germline.
Comment: This variant occurs in the RNU4ATAC gene, which encodes an RNA molecule that does not result in a protein product. This variant is present in population databases (rs148828161, gnomAD 0.04%). This variant has not been reported in the literature in individuals affected with RNU4ATAC-related conditions. ClinVar contains an entry for this variant (Variation ID: 1502412). Experimental studies and prediction algorithms are not available or were not evaluated, and the functional significance of this variant is currently unknown. In summary, the available evidence is currently insufficient to determine the role of this variant in disease. Therefore, it has been classified as a Variant of Uncertain Significance.